The following is an entry in ClinVar:

ClinVar aggregate classification (germline): Uncertain significance. Review status: criteria provided, multiple submitters, no conflicts (2 of 4 stars). 4 submissions from 4 submitters: Uncertain significance (4). Last evaluated 2022-12-27.

Allele frequency attached by ClinVar (database versions not stated): 1000 Genomes Project 0.00040; 1000 Genomes Project 30x 0.00047; gnomAD 0.00068 and 0.00070; TOPMed 0.00070; ExAC 0.00080; ESP Exome Variant Server 0.00085.

Submissions (4):

GeneDx
Classification: Uncertain significance. Last evaluated: 2022-12-27. Review status: criteria provided, single submitter. Criteria: GeneDx Variant Classification Process June 2021. Collection method: clinical testing. Allele origin: germline. Affected: yes.
Comment: In silico analysis supports that this missense variant has a deleterious effect on protein structure/function; Has not been previously published as pathogenic or benign to our knowledge

Labcorp Genetics (formerly Invitae), Labcorp
Classification: Uncertain significance. Last evaluated: 2022-09-19. Review status: criteria provided, single submitter. Criteria: Invitae Variant Classification Sherloc (09022015). Collection method: clinical testing. Allele origin: germline.
Comment: This sequence change replaces arginine, which is basic and polar, with glutamine, which is neutral and polar, at codon 67 of the CTU2 protein (p.Arg67Gln). This variant is present in population databases (rs149997219, gnomAD 0.1%), including at least one homozygous and/or hemizygous individual. This variant has not been reported in the literature in individuals affected with CTU2-related conditions. ClinVar contains an entry for this variant (Variation ID: 1448262). Advanced modeling of protein sequence and biophysical properties (such as structural, functional, and spatial information, amino acid conservation, physicochemical variation, residue mobility, and thermodynamic stability) performed at Invitae indicates that this missense variant is expected to disrupt CTU2 protein function. In summary, the available evidence is currently insufficient to determine the role of this variant in disease. Therefore, it has been classified as a Variant of Uncertain Significance.

Ambry Genetics
Classification: Uncertain significance. Last evaluated: 2022-07-12. Review status: criteria provided, single submitter. Criteria: Ambry Variant Classification Scheme 2023. Collection method: clinical testing. Allele origin: germline.

Breakthrough Genomics
Classification: Uncertain significance. Review status: criteria provided, single submitter. Criteria: ACMG Guidelines, 2015. Collection method: not provided. Allele origin: germline. Inheritance: Autosomal recessive inheritance. Affected: yes.

NM_001012759.3(CTU2):c.200G>A (p.Arg67Gln)

Gene: CTU2 (cytosolic thiouridylase subunit 2; plus strand). Cytogenetic location: 16q24.3.
Variant type: single nucleotide variant.
Coding change: c.200G>A on transcript NM_001012759.3 (MANE Select); coding-DNA position 200, G replaced by A.
Protein change: p.Arg67Gln; replaces arginine 67 with glutamine.
Molecular consequence: missense variant. On other transcripts: intron variant (1).
Genome position (GRCh38, 1-based): chr16:88,709,994, G>A. VCF-style: chr16-88709994-G-A. GRCh37 (hg19) VCF-style: chr16-88776402-G-A.
Other names: c.200G>A, p.Arg67Gln (NM_001012762.3, NM_001318507.2); c.-39-229G>A (NM_001318513.2); c.200G>A (NM_001012759.1); short protein forms R67Q.
Identifiers: ClinVar variation 1448262 (VCV001448262.6), dbSNP rs149997219, ClinGen allele CA8230076.
Genomic context (GRCh38, chr16:88,709,994, plus strand): 5'-GCAGGGACTGTTTCAAGGCCTTCTACGTCCACAAGTTCAGAGCCATGCTGGGCAAGAACC[G>A]GCTCATCTTTCCAGGCGAGAAGGTAGCGTCTGGGTCCTGGGGGTCTGACTGAGCAGCCTG-3'
Protein context (NP_001012777.1, residues 57-77): HKFRAMLGKN[Arg67Gln]LIFPGEKVLL